The following is an entry in ClinVar:

ClinVar aggregate classification (germline): Uncertain significance (1 of 4 stars; one submission).

Conditions:
Cohen syndrome (COH1). Also called: Cutis verticis gyrata, retinitis pigmentosa, and sensorineural deafness; PEPPER SYNDROME. Identifiers: Orphanet 193, MedGen C0265223, MONDO:0008999, OMIM 216550.

Allele frequency attached by ClinVar (database versions not stated): TOPMed 0.00001.

Submission:

Labcorp Genetics (formerly Invitae), Labcorp
Classification: Uncertain significance for Cohen syndrome. Last evaluated: 2022-03-24. Review status: criteria provided, single submitter. Criteria: Invitae Variant Classification Sherloc (09022015). Collection method: clinical testing. Allele origin: germline.
Comment: In summary, the available evidence is currently insufficient to determine the role of this variant in disease. Therefore, it has been classified as a Variant of Uncertain Significance. Algorithms developed to predict the effect of missense changes on protein structure and function are either unavailable or do not agree on the potential impact of this missense change (SIFT: "Not Available"; PolyPhen-2: "Probably Damaging"; Align-GVGD: "Not Available"). This variant has not been reported in the literature in individuals affected with VPS13B-related conditions. This variant is not present in population databases (gnomAD no frequency). This sequence change replaces glycine, which is neutral and non-polar, with glutamic acid, which is acidic and polar, at codon 309 of the VPS13B protein (p.Gly309Glu).

NM_152564.5(VPS13B):c.926G>A (p.Gly309Glu)

Gene: VPS13B (vacuolar protein sorting 13 homolog B; plus strand). Cytogenetic location: 8q22.2.
Variant type: single nucleotide variant.
Coding change: c.926G>A on transcript NM_152564.5 (MANE Select); coding-DNA position 926, G replaced by A.
Protein change: p.Gly309Glu; replaces glycine 309 with glutamic acid.
Molecular consequence: missense variant. On other transcripts: non-coding transcript variant (1).
Genome position (GRCh38, 1-based): chr8:99,115,863, G>A. VCF-style: chr8-99115863-G-A. GRCh37 (hg19) VCF-style: chr8-100128091-G-A.
Other names: c.926G>A, p.Gly309Glu (NM_015243.3, NM_017890.5, NM_181661.3); short protein forms G309E.
Identifiers: ClinVar variation 1970049 (VCV001970049.5), dbSNP rs1450293713, ClinGen allele CA371860713.